The following is an entry in ClinVar:

NM_000238.4(KCNH2):c.2386G>T (p.Val796Leu)

Gene: KCNH2 (potassium voltage-gated channel subfamily H member 2; minus strand). Cytogenetic location: 7q36.1.
Variant type: single nucleotide variant.
Coding change: c.2386G>T on transcript NM_000238.4 (MANE Select); coding-DNA position 2386, G replaced by T.
Protein change: p.Val796Leu; replaces valine 796 with leucine.
Molecular consequence: missense variant.
Genome position (GRCh38, 1-based): chr7:150,950,180, C>A on the plus strand (G>T on the coding strand, the complement: KCNH2 is on the minus strand). VCF-style: chr7-150950180-C-A. GRCh37 (hg19) VCF-style: chr7-150647268-C-A.
Other names: c.2386G>T (NM_000238.2); c.1366G>T, p.Val456Leu (NM_001204798.2, NM_172057.3); c.2098G>T, p.Val700Leu (NM_001406753.1, NM_001406756.1); c.2209G>T, p.Val737Leu (NM_001406755.1); c.2086G>T, p.Val696Leu (NM_001406757.1); c.2386G>T, p.Val796Leu (NM_172056.3); short protein forms V796L, V456L, V700L, V696L, V737L.
Identifiers: ClinVar variation 940061 (VCV000940061.13), dbSNP rs143335921, ClinGen allele CA031879.

ClinVar aggregate classification (germline): Uncertain significance. Review status: criteria provided, multiple submitters, no conflicts (2 of 4 stars). 4 submissions from 4 submitters: Uncertain significance (4). Last evaluated 2026-02-17.

Conditions:
Long QT syndrome (LQTS). Identifiers: MedGen C0023976, MeSH D008133, MONDO:0002442. Disease mechanism: loss of function. Inheritance: Various modes of inheritance.
Cardiovascular phenotype. Identifiers: MedGen CN230736.
Short QT syndrome type 1. Identifiers: Orphanet 51083, MedGen C1865020, MONDO:0012312, OMIM 609620.
Long QT syndrome 2 (LQT2). Identifiers: Orphanet 101016, Orphanet 768, MedGen C3150943, MONDO:0013367, OMIM 613688.

gnomAD v4.1: 5 of 1,320,562 alleles (0.00038%); highest among the groups gnomAD compares: Admixed American, 0.0019%; no homozygotes.

Submissions (4):

Ambry Genetics
Classification: Uncertain significance for Cardiovascular phenotype. Last evaluated: 2026-02-17. Review status: criteria provided, single submitter. Criteria: Ambry Variant Classification Scheme 2023. Collection method: clinical testing. Allele origin: germline.

GeneDx
Classification: Uncertain significance. Last evaluated: 2024-04-01. Review status: criteria provided, single submitter. Criteria: GeneDx Variant Classification Process June 2021. Collection method: clinical testing. Allele origin: germline. Affected: yes.
Comment: Not observed at significant frequency in large population cohorts (gnomAD); In silico analysis supports that this missense variant has a deleterious effect on protein structure/function; Has not been previously published as pathogenic or benign to our knowledge

Labcorp Genetics (formerly Invitae), Labcorp
Classification: Uncertain significance for Long QT syndrome. Last evaluated: 2023-08-03. Review status: criteria provided, single submitter. Criteria: Invitae Variant Classification Sherloc (09022015). Collection method: clinical testing. Allele origin: germline.
Comment: In summary, the available evidence is currently insufficient to determine the role of this variant in disease. Therefore, it has been classified as a Variant of Uncertain Significance. An algorithm developed to predict the effect of missense changes on protein structure and function (PolyPhen-2) suggests that this variant is likely to be disruptive. ClinVar contains an entry for this variant (Variation ID: 940061). This variant has not been reported in the literature in individuals affected with KCNH2-related conditions. This variant is present in population databases (rs143335921, gnomAD 0.003%). This sequence change replaces valine, which is neutral and non-polar, with leucine, which is neutral and non-polar, at codon 796 of the KCNH2 protein (p.Val796Leu).

Fulgent Genetics
Classification: Uncertain significance for Short QT syndrome type 1; Long QT syndrome 2. Last evaluated: 2021-07-22. Review status: criteria provided, single submitter. Criteria: ACMG Guidelines, 2015. Collection method: clinical testing. Allele origin: unknown.